The following is an entry in ClinVar:

ClinVar aggregate classification (germline): Uncertain significance (1 of 4 stars; one submission).

Conditions:
Disseminated atypical mycobacterial infection. Identifiers: MedGen C0694566.

Submission:

Labcorp Genetics (formerly Invitae), Labcorp
Classification: Uncertain significance for Disseminated atypical mycobacterial infection. Last evaluated: 2022-07-30. Review status: criteria provided, single submitter. Criteria: Invitae Variant Classification Sherloc (09022015). Collection method: clinical testing. Allele origin: germline.
Comment: In summary, the available evidence is currently insufficient to determine the role of this variant in disease. Therefore, it has been classified as a Variant of Uncertain Significance. Algorithms developed to predict the effect of missense changes on protein structure and function output the following: SIFT: "Tolerated"; PolyPhen-2: "Benign"; Align-GVGD: "Class C0". The leucine amino acid residue is found in multiple mammalian species, which suggests that this missense change does not adversely affect protein function. This variant has not been reported in the literature in individuals affected with IFNGR1-related conditions. This variant is not present in population databases (gnomAD no frequency). This sequence change replaces valine, which is neutral and non-polar, with leucine, which is neutral and non-polar, at codon 171 of the IFNGR1 protein (p.Val171Leu).

NM_000416.3(IFNGR1):c.511G>T (p.Val171Leu)

Gene: IFNGR1 (interferon gamma receptor 1; minus strand). Cytogenetic location: 6q23.3.
Variant type: single nucleotide variant.
Coding change: c.511G>T on transcript NM_000416.3 (MANE Select); coding-DNA position 511, G replaced by T.
Protein change: p.Val171Leu; replaces valine 171 with leucine.
Molecular consequence: missense variant.
Genome position (GRCh38, 1-based): chr6:137,204,367, C>A on the plus strand (G>T on the coding strand, the complement: IFNGR1 is on the minus strand). VCF-style: chr6-137204367-C-A. GRCh37 (hg19) VCF-style: chr6-137525504-C-A.
Other names: c.481G>T, p.Val161Leu (NM_001363526.1); c.388G>T, p.Val130Leu (NM_001363527.1); short protein forms V130L, V161L, V171L.
Identifiers: ClinVar variation 1714406 (VCV001714406.5), dbSNP rs2548233710, ClinGen allele CA365775257.